The following is an entry in ClinVar:

ClinVar aggregate classification (germline): Uncertain significance. Review status: criteria provided, multiple submitters, no conflicts (2 of 4 stars). 3 submissions from 3 submitters: Uncertain significance (3). Last evaluated 2026-06-24.

Conditions:
PCNT-related disorder. Also called: PCNT-related condition.

Allele frequency attached by ClinVar (database versions not stated): ExAC 0.00009; ESP Exome Variant Server 0.00009; TOPMed 0.00010; gnomAD 0.00013 and 0.00014; gnomAD exomes 0.00013.
gnomAD v4.1: 428 of 1,604,714 alleles (0.027%); highest among the groups gnomAD compares: Non-Finnish European, 0.032%; no homozygotes.

Submissions (3):

PreventionGenetics, part of Exact Sciences
Classification: Uncertain significance for PCNT-related condition. Last evaluated: 2026-06-24. Review status: criteria provided, single submitter. Criteria: ACMG Guidelines, 2015. Collection method: clinical testing. Allele origin: germline.
Comment: The PCNT c.5705G>A variant is predicted to result in the amino acid substitution p.Arg1902His. To our knowledge, this variant has not been reported in the literature. This variant is reported in 0.028% of alleles in individuals of European (Non-Finnish) descent in gnomAD. At this time, the clinical significance of this variant is uncertain due to the absence of conclusive functional and genetic evidence.

Labcorp Genetics (formerly Invitae), Labcorp
Classification: Uncertain significance. Last evaluated: 2022-08-21. Review status: criteria provided, single submitter. Criteria: Invitae Variant Classification Sherloc (09022015). Collection method: clinical testing. Allele origin: germline.
Comment: This sequence change replaces arginine, which is basic and polar, with histidine, which is basic and polar, at codon 1902 of the PCNT protein (p.Arg1902His). This variant is present in population databases (rs201536644, gnomAD 0.03%). This variant has not been reported in the literature in individuals affected with PCNT-related conditions. ClinVar contains an entry for this variant (Variation ID: 211866). Algorithms developed to predict the effect of missense changes on protein structure and function output the following: SIFT: "Tolerated"; PolyPhen-2: "Possibly Damaging"; Align-GVGD: "Class C0". The histidine amino acid residue is found in multiple mammalian species, which suggests that this missense change does not adversely affect protein function. In summary, the available evidence is currently insufficient to determine the role of this variant in disease. Therefore, it has been classified as a Variant of Uncertain Significance.

Genetic Services Laboratory, University of Chicago
Classification: Uncertain significance. Last evaluated: 2014-09-12. Review status: criteria provided, single submitter. Criteria: ACMG Guidelines, 2015. Collection method: clinical testing. Allele origin: germline.

NM_006031.6(PCNT):c.5705G>A (p.Arg1902His)

Gene: PCNT (pericentrin; plus strand). Cytogenetic location: 21q22.3.
Variant type: single nucleotide variant.
Coding change: c.5705G>A on transcript NM_006031.6 (MANE Select); coding-DNA position 5705, G replaced by A.
Protein change: p.Arg1902His; replaces arginine 1902 with histidine.
Molecular consequence: missense variant.
Genome position (GRCh38, 1-based): chr21:46,411,778, G>A. VCF-style: chr21-46411778-G-A. GRCh37 (hg19) VCF-style: chr21-47831692-G-A.
Other names: c.5351G>A, p.Arg1784His (NM_001315529.2); short protein forms R1902H, R1784H.
Identifiers: ClinVar variation 211866 (VCV000211866.11), dbSNP rs201536644, ClinGen allele CA206227.
Genomic context (GRCh38, chr21:46,411,778, plus strand): 5'-AGCGGAAGGCGGCCCACTCTGCCGAGCTGGAGGCCGTCCTGTTGGCCTTGGCCCGCATCC[G>A]CCGCGCCCTGGAGCAGCAGCCCCTGGCAGCCGGGGCGGCGCCTCCCGAGCTGCAGTGGCT-3'
Protein context (NP_006022.3, residues 1892-1912): EAVLLALARI[Arg1902His]RALEQQPLAA